The following is an entry in ClinVar:

ClinVar aggregate classification (germline): Uncertain significance (1 of 4 stars; one submission).

Conditions:
Spermatogenic failure 18. Identifiers: MedGen C4539783, MONDO:0054615, OMIM 617576.
Ciliary dyskinesia, primary, 37 (CILD37). Also called: CILIARY DYSKINESIA, PRIMARY, 37, WITH OR WITHOUT SITUS INVERSUS. Identifiers: MedGen C4539798, MONDO:0033204, OMIM 617577.

Allele frequency attached by ClinVar (database versions not stated): ExAC 0.00002; gnomAD exomes 0.00002 and 0.00005; TOPMed 0.00005; gnomAD 0.00006; ESP Exome Variant Server 0.00008.
gnomAD v4.1: 81 of 1,579,902 alleles (0.0051%); highest among the groups gnomAD compares: Non-Finnish European, 0.0065%; no homozygotes.

Submission:

Labcorp Genetics (formerly Invitae), Labcorp
Classification: Uncertain significance for Ciliary dyskinesia, primary, 37; Spermatogenic failure 18. Last evaluated: 2021-08-31. Review status: criteria provided, single submitter. Criteria: Invitae Variant Classification Sherloc (09022015). Collection method: clinical testing. Allele origin: germline.
Comment: This sequence change replaces aspartic acid with asparagine at codon 3602 of the DNAH1 protein (p.Asp3602Asn). The aspartic acid residue is highly conserved and there is a small physicochemical difference between aspartic acid and asparagine. This variant is present in population databases (rs377385985, ExAC 0.003%). This variant has not been reported in the literature in individuals affected with DNAH1-related conditions. Algorithms developed to predict the effect of missense changes on protein structure and function are either unavailable or do not agree on the potential impact of this missense change (SIFT: "Deleterious"; PolyPhen-2: "Probably Damaging"; Align-GVGD: "Class C0"). In summary, the available evidence is currently insufficient to determine the role of this variant in disease. Therefore, it has been classified as a Variant of Uncertain Significance.

NM_015512.5(DNAH1):c.10804G>A (p.Asp3602Asn)

Gene: DNAH1 (dynein axonemal heavy chain 1; plus strand). Cytogenetic location: 3p21.1.
Variant type: single nucleotide variant.
Coding change: c.10804G>A on transcript NM_015512.5 (MANE Select); coding-DNA position 10804, G replaced by A.
Protein change: p.Asp3602Asn; replaces aspartic acid 3602 with asparagine.
Molecular consequence: missense variant.
Genome position (GRCh38, 1-based): chr3:52,394,642, G>A. VCF-style: chr3-52394642-G-A. GRCh37 (hg19) VCF-style: chr3-52428658-G-A.
Other names: short protein forms D3602N.
Identifiers: ClinVar variation 478390 (VCV000478390.2), dbSNP rs377385985, ClinGen allele CA2435953.